The following is an entry in ClinVar:

NM_001040108.2(MLH3):c.1170C>G (p.Phe390Leu)

Gene: MLH3 (mutL homolog 3; minus strand). Cytogenetic location: 14q24.3.
Variant type: single nucleotide variant.
Coding change: c.1170C>G on transcript NM_001040108.2 (MANE Select); coding-DNA position 1170, C replaced by G.
Protein change: p.Phe390Leu; replaces phenylalanine 390 with leucine.
Molecular consequence: missense variant.
Genome position (GRCh38, 1-based): chr14:75,048,486, G>C on the plus strand (C>G on the coding strand, the complement: MLH3 is on the minus strand). VCF-style: chr14-75048486-G-C. GRCh37 (hg19) VCF-style: chr14-75515189-G-C.
Other names: c.1170C>G, p.Phe390Leu (NM_014381.3); short protein forms F390L.
Identifiers: ClinVar variation 1387445 (VCV001387445.9), dbSNP rs1892424563, ClinGen allele CA390447146.

ClinVar aggregate classification (germline): Uncertain significance. Review status: criteria provided, multiple submitters, no conflicts (2 of 4 stars). 2 submissions from 2 submitters: Uncertain significance (2). Last evaluated 2025-08-10.

Conditions:
Colorectal cancer, hereditary nonpolyposis, type 7. Identifiers: Orphanet 144, MedGen C1858380, MONDO:0013725, OMIM 614385.

Allele frequency attached by ClinVar (database versions not stated): gnomAD 0.00001.
gnomAD v4.1: 1 of 1,612,824 alleles (0.000062%); highest among the groups gnomAD compares: African/African-American, 0.0013%; no homozygotes.

Submissions (2):

Ambry Genetics
Classification: Uncertain significance. Last evaluated: 2025-08-10. Review status: criteria provided, single submitter. Criteria: Ambry Variant Classification Scheme 2023. Collection method: clinical testing. Allele origin: germline.
Comment: The p.F390L variant (also known as c.1170C>G), located in coding exon 1 of the MLH3 gene, results from a C to G substitution at nucleotide position 1170. The phenylalanine at codon 390 is replaced by leucine, an amino acid with highly similar properties. This amino acid position is conserved. In addition, the in silico prediction for this alteration is inconclusive. Since supporting evidence is limited at this time, the clinical significance of this alteration remains unclear.

Labcorp Genetics (formerly Invitae), Labcorp
Classification: Uncertain significance for Colorectal cancer, hereditary nonpolyposis, type 7. Last evaluated: 2022-08-23. Review status: criteria provided, single submitter. Criteria: Invitae Variant Classification Sherloc (09022015). Collection method: clinical testing. Allele origin: germline.
Comment: Algorithms developed to predict the effect of missense changes on protein structure and function are either unavailable or do not agree on the potential impact of this missense change (SIFT: "Tolerated"; PolyPhen-2: "Possibly Damaging"; Align-GVGD: "Class C0"). In summary, the available evidence is currently insufficient to determine the role of this variant in disease. Therefore, it has been classified as a Variant of Uncertain Significance. ClinVar contains an entry for this variant (Variation ID: 1387445). This variant has not been reported in the literature in individuals affected with MLH3-related conditions. This variant is not present in population databases (gnomAD no frequency). This sequence change replaces phenylalanine, which is neutral and non-polar, with leucine, which is neutral and non-polar, at codon 390 of the MLH3 protein (p.Phe390Leu).